The following is an entry in ClinVar:

NM_001142800.2(EYS):c.6834G>T (p.Gln2278His)

Gene: EYS (EGF-like photoreceptor maintenance factor; minus strand). Cytogenetic location: 6q12.
Variant type: single nucleotide variant.
Coding change: c.6834G>T on transcript NM_001142800.2 (MANE Select); coding-DNA position 6834, G replaced by T.
Protein change: p.Gln2278His; replaces glutamine 2278 with histidine.
Molecular consequence: missense variant.
Genome position (GRCh38, 1-based): chr6:63,999,075, C>A on the plus strand (G>T on the coding strand, the complement: EYS is on the minus strand). VCF-style: chr6-63999075-C-A. GRCh37 (hg19) VCF-style: chr6-64708968-C-A.
Other names: c.6834G>T, p.Gln2278His (NM_001292009.2); short protein forms Q2278H.
Identifiers: ClinVar variation 2089805 (VCV002089805.5), dbSNP rs1767962589, ClinGen allele CA364389434.
Genomic context (GRCh38, chr6:63,999,075, plus strand): 5'-TACTTATCTGAAATACTGAGGGCACAATTAGTGTTTGGAACTGGATATTTGCATACCTAC[C>A]TGAGAGGCATGGGAAATCTCTGTGTCTTTCTTCTGTACTGGAGGTTTTCCATCTGCAGTC-3'
Protein context (NP_001136272.1, residues 2268-2288): KKDTEISHAS[Gln2278His]AYFESMFLGH

ClinVar aggregate classification (germline): Uncertain significance. Review status: criteria provided, multiple submitters, no conflicts (2 of 4 stars). 2 submissions from 2 submitters: Uncertain significance (2). Last evaluated 2025-10-15.

Submissions (2):

Women's Health and Genetics/Laboratory Corporation of America, LabCorp
Classification: Uncertain significance. Last evaluated: 2025-10-15. Review status: criteria provided, single submitter. Criteria: LabCorp Variant Classification Summary - May 2015. Collection method: clinical testing. Allele origin: germline.
Comment: Variant summary: EYS c.6834G>T (p.Gln2278His) results in a non-conservative amino acid change in the encoded protein sequence. Algorithms developed to predict the effect of missense changes on protein structure and function are either unavailable or do not agree on the potential impact of this missense change. Several computational tools predict a significant impact on normal splicing: Four predict the variant weakens a 5' donor site, two predict the variant creates a cryptic 3' acceptor site, and one predicts the variant strengthens a cryptic 3' acceptor site. However, these predictions have yet to be confirmed by functional studies. The variant was absent in 158542 control chromosomes. The available data on variant occurrences in the general population are insufficient to allow any conclusion about variant significance. To our knowledge, no occurrence of c.6834G>T in individuals affected with EYS-related conditions and no experimental evidence demonstrating its impact on protein function have been reported. ClinVar contains an entry for this variant (Variation ID: 2089805). Based on the evidence outlined above, the variant was classified as uncertain significance.

Labcorp Genetics (formerly Invitae), Labcorp
Classification: Uncertain significance. Last evaluated: 2024-02-23. Review status: criteria provided, single submitter. Criteria: Invitae Variant Classification Sherloc (09022015). Collection method: clinical testing. Allele origin: germline.
Comment: This sequence change replaces glutamine, which is neutral and polar, with histidine, which is basic and polar, at codon 2278 of the EYS protein (p.Gln2278His). This variant also falls at the last nucleotide of exon 34, which is part of the consensus splice site for this exon. This variant is not present in population databases (gnomAD no frequency). This variant has not been reported in the literature in individuals affected with EYS-related conditions. ClinVar contains an entry for this variant (Variation ID: 2089805). An algorithm developed to predict the effect of missense changes on protein structure and function (PolyPhen-2) suggests that this variant is likely to be disruptive. Variants that disrupt the consensus splice site are a relatively common cause of aberrant splicing (PMID: 17576681, 9536098). Algorithms developed to predict the effect of sequence changes on RNA splicing suggest that this variant may disrupt the consensus splice site. In summary, the available evidence is currently insufficient to determine the role of this variant in disease. Therefore, it has been classified as a Variant of Uncertain Significance.

Literature cited by the submitters: PubMed 17576681 (cited by Labcorp Genetics (formerly Invitae), Labcorp); PubMed 9536098 (cited by Labcorp Genetics (formerly Invitae), Labcorp).